The following is an entry in ClinVar:

ClinVar aggregate classification (germline): Uncertain significance (1 of 4 stars; one submission).

Submission:

GeneDx
Classification: Uncertain significance. Last evaluated: 2025-05-22. Review status: criteria provided, single submitter. Criteria: GeneDx Variant Classification Process June 2021. Collection method: clinical testing. Allele origin: germline. Affected: yes.
Comment: Not observed at significant frequency in large population cohorts (gnomAD); In silico analysis supports that this missense variant has a deleterious effect on protein structure/function; Has not been previously published as pathogenic or benign to our knowledge

NM_025114.4(CEP290):c.6442A>T (p.Asn2148Tyr)

Gene: CEP290 (centrosomal protein 290; minus strand). Cytogenetic location: 12q21.32.
Variant type: single nucleotide variant.
Coding change: c.6442A>T on transcript NM_025114.4 (MANE Select); coding-DNA position 6442, A replaced by T.
Protein change: p.Asn2148Tyr; replaces asparagine 2148 with tyrosine.
Molecular consequence: missense variant.
Genome position (GRCh38, 1-based): chr12:88,060,910, T>A on the plus strand (A>T on the coding strand, the complement: CEP290 is on the minus strand). VCF-style: chr12-88060910-T-A. GRCh37 (hg19) VCF-style: chr12-88454687-T-A.
Other names: short protein forms N2148Y.
Identifiers: ClinVar variation 4531095 (VCV004531095.1).
Genomic context (GRCh38, chr12:88,060,910, plus strand): 5'-GCTCAATATTAGCCATTTTTTCACTAGTCAATATTCCTGATGCTTTTTTCAACTGTTCAT[T>A]TTCTCTCTGGACTTTTTCAACTACTTTTTTCATTAAACCAATGGTTTTTTCCAGTTCTGG-3'
Protein context (NP_079390.3, residues 2138-2158): KKVVEKVQRE[Asn2148Tyr]EQLKKASGIL